The following is an entry in ClinVar:

ClinVar aggregate classification (germline): Pathogenic (1 of 4 stars; one submission).

Submission:

Labcorp Genetics (formerly Invitae), Labcorp
Classification: Pathogenic. Last evaluated: 2021-05-03. Review status: criteria provided, single submitter. Criteria: Invitae Variant Classification Sherloc (09022015). Collection method: clinical testing. Allele origin: germline.
Comment: For these reasons, this variant has been classified as Pathogenic. This variant has not been reported in the literature in individuals with ABCA4-related conditions. This variant is not present in population databases (ExAC no frequency). This sequence change creates a premature translational stop signal (p.Thr983Leufs*47) in the ABCA4 gene. It is expected to result in an absent or disrupted protein product. Loss-of-function variants in ABCA4 are known to be pathogenic (PMID: 10958761, 24938718, 25312043, 26780318).

Literature cited by the submitters: PubMed 10958761; PubMed 24938718; PubMed 25312043; PubMed 26780318.

NM_000350.3(ABCA4):c.2946_2949del (p.Thr983fs)

Gene: ABCA4 (ATP binding cassette subfamily A member 4; minus strand). Cytogenetic location: 1p22.1.
Variant type: Deletion.
Coding change: c.2946_2949del on transcript NM_000350.3 (MANE Select); coding-DNA positions 2946 to 2949, 4 bases deleted (AACC; older notation c.2946_2949delAACC).
Protein change: p.Thr983fs; shifts the reading frame from threonine 983.
Molecular consequence: frameshift variant.
Genome position (GRCh38, 1-based): chr1:94,044,714-94,044,717, GGTT deleted on the plus strand (AACC on the coding strand, the reverse complement: ABCA4 is on the minus strand); deleting any 4 consecutive bases within chr1:94,044,714-94,044,720 gives the same sequence; the c. name uses the placement nearest the transcript's 3' end. VCF-style (leftmost placement, unchanged base first): chr1-94044713-AGGTT-A. GRCh37 (hg19) VCF-style: chr1-94510269-AGGTT-A.
Other names: c.2721_2724delACCA, p.Thr909Leufs (NM_001425324.1); short protein forms T983fs.
Identifiers: ClinVar variation 1451309 (VCV001451309.6), dbSNP rs2101053584, ClinGen allele CA2573132712.